The following is an entry in ClinVar:

ClinVar aggregate classification (germline): Uncertain significance (1 of 4 stars; one submission).

Conditions:
SMAD9-related disorder. Also called: SMAD9-related condition.

gnomAD v4.1: 13 of 1,614,098 alleles (0.00081%); highest among the groups gnomAD compares: Non-Finnish European, 0.001%; no homozygotes.

Submission:

PreventionGenetics, part of Exact Sciences
Classification: Uncertain significance for SMAD9-related condition. Last evaluated: 2024-10-24. Review status: criteria provided, single submitter. Criteria: ACMG Guidelines, 2015. Collection method: clinical testing. Allele origin: germline.
Comment: The SMAD9 c.1195C>G variant is predicted to result in the amino acid substitution p.His399Asp. To our knowledge, this variant has not been reported in the literature or in a large population database (gnomAD), indicating this variant is rare. At this time, the clinical significance of this variant is uncertain due to the absence of conclusive functional and genetic evidence.

NM_001127217.3(SMAD9):c.1195C>G (p.His399Asp)

Gene: SMAD9 (SMAD family member 9; minus strand). Cytogenetic location: 13q13.3.
Variant type: single nucleotide variant.
Coding change: c.1195C>G on transcript NM_001127217.3 (MANE Select); coding-DNA position 1195, C replaced by G.
Protein change: p.His399Asp; replaces histidine 399 with aspartic acid.
Molecular consequence: missense variant.
Genome position (GRCh38, 1-based): chr13:36,853,484, G>C on the plus strand (C>G on the coding strand, the complement: SMAD9 is on the minus strand). VCF-style: chr13-36853484-G-C. GRCh37 (hg19) VCF-style: chr13-37427621-G-C.
Other names: c.1084C>G, p.His362Asp (NM_001378621.1, NM_005905.6); short protein forms H399D, H362D.
Identifiers: ClinVar variation 4978769 (VCV004978769.1).